The following is an entry in ClinVar:

NM_053025.4(MYLK):c.160G>C (p.Gly54Arg)

Genes: MYLK (myosin light chain kinase; minus strand), LOC126806792 (CDK7 strongly-dependent group 2 enhancer GRCh37_chr3:123511339-123512538; plus strand). Cytogenetic location: 3q21.1.
Variant type: single nucleotide variant.
Coding change: c.160G>C on transcript NM_053025.4 (MANE Select); coding-DNA position 160, G replaced by C.
Protein change: p.Gly54Arg; replaces glycine 54 with arginine.
Molecular consequence: missense variant. On other transcripts: 5 prime UTR variant (1).
Genome position (GRCh38, 1-based): chr3:123,793,682, C>G on the plus strand (G>C on the coding strand, the complement: MYLK is on the minus strand). VCF-style: chr3-123793682-C-G. GRCh37 (hg19) VCF-style: chr3-123512529-C-G.
Other names: c.-161G>C (NM_001321309.2); c.160G>C, p.Gly54Arg (NM_053026.4, NM_053027.4, NM_053028.4); short protein forms G54R.
Identifiers: ClinVar variation 4736779 (VCV004736779.1).

ClinVar aggregate classification (germline): Uncertain significance (1 of 4 stars; one submission).

Conditions:
Aortic aneurysm, familial thoracic 7 (AAT7). Also called: AORTIC DISSECTION, FAMILIAL, WITH OR WITHOUT AORTIC ANEURYSM. Identifiers: MedGen C3151077, MONDO:0013418, OMIM 613780.

gnomAD v4.1: 1 of 1,614,156 alleles (0.000062%); highest among the groups gnomAD compares: Non-Finnish European, 0.000085%; no homozygotes.

Submission:

Labcorp Genetics (formerly Invitae), Labcorp
Classification: Uncertain significance for Aortic aneurysm, familial thoracic 7. Last evaluated: 2025-03-05. Review status: criteria provided, single submitter. Criteria: Invitae Variant Classification Sherloc (09022015). Collection method: clinical testing. Allele origin: germline.
Comment: This sequence change replaces glycine, which is neutral and non-polar, with arginine, which is basic and polar, at codon 54 of the MYLK protein (p.Gly54Arg). This variant is not present in population databases (gnomAD no frequency). This variant has not been reported in the literature in individuals affected with MYLK-related conditions. Invitae Evidence Modeling of protein sequence and biophysical properties (such as structural, functional, and spatial information, amino acid conservation, physicochemical variation, residue mobility, and thermodynamic stability) indicates that this missense variant is not expected to disrupt MYLK protein function with a negative predictive value of 95%. In summary, the available evidence is currently insufficient to determine the role of this variant in disease. Therefore, it has been classified as a Variant of Uncertain Significance.